The following is an entry in ClinVar:

NM_001347721.2(DYRK1A):c.333A>G (p.Gln111=)

Gene: DYRK1A (dual specificity tyrosine phosphorylation regulated kinase 1A; plus strand). Cytogenetic location: 21q22.13.
Variant type: single nucleotide variant.
Coding change: c.333A>G on transcript NM_001347721.2 (MANE Select); coding-DNA position 333, A replaced by G.
Protein change: p.Gln111=; no amino-acid change (glutamine 111 retained).
Molecular consequence: synonymous variant.
Genome position (GRCh38, 1-based): chr21:37,480,670, A>G. VCF-style: chr21-37480670-A-G. GRCh37 (hg19) VCF-style: chr21-38852972-A-G.
Other names: c.333A>G, p.Gln111= (NM_001347722.2, NM_130436.2); c.246A>G, p.Gln82= (NM_001347723.2); c.360A>G, p.Gln120= (NM_001396.5, NM_101395.2, NM_130438.2).
Identifiers: ClinVar variation 385629 (VCV000385629.19), dbSNP rs370463929, ClinGen allele CA10023784.
Genomic context (GRCh38, chr21:37,480,670, plus strand): 5'-CAGTTAACACTATGTATTCTCATTTCAGGTTTACTATGCAAAAAAGAAGCGAAGACACCA[A>G]CAGGGCCAGGGAGACGATTCTAGTCATAAGAAGGAACGGAAGGTTTACAATGATGGTTAT-3'
Protein context (NP_001334650.1, residues 101-121): VYYAKKKRRH[Gln111=]QGQGDDSSHK

ClinVar aggregate classification (germline): Likely benign. Review status: criteria provided, multiple submitters, no conflicts (2 of 4 stars). 5 submissions from 5 submitters: Likely benign (5). Last evaluated 2026-08-01.

Conditions:
Inborn genetic diseases. Identifiers: MedGen C0950123, MeSH D030342.
DYRK1A-related intellectual disability syndrome (MRD7). Also called: DYRK1A Syndrome; Intellectual developmental disorder, autosomal dominant 7. Identifiers: Orphanet 464306, MedGen C5568143, MONDO:0013578, OMIM 614104.

Allele frequency attached by ClinVar (database versions not stated): ExAC 0.00006; gnomAD exomes 0.00007; ESP Exome Variant Server 0.00008; gnomAD 0.00013 and 0.00014; TOPMed 0.00032.
gnomAD v4.1: 175 of 1,600,060 alleles (0.011%); highest among the groups gnomAD compares: Admixed American, 0.048%; no homozygotes.

Submissions (5):

CeGaT Center for Human Genetics Tuebingen
Classification: Likely benign. Last evaluated: 2026-08-01. Review status: criteria provided, single submitter. Criteria: CeGaT Center For Human Genetics Tuebingen Variant Classification Criteria Version 2. Collection method: clinical testing. Allele origin: germline. Affected: yes. Observed: 1 variant allele.
Comment: DYRK1A: BP4, BP7

Labcorp Genetics (formerly Invitae), Labcorp
Classification: Likely benign for DYRK1A-related intellectual disability syndrome. Last evaluated: 2026-02-02. Review status: criteria provided, single submitter. Criteria: Invitae Variant Classification Sherloc (09022015). Collection method: clinical testing. Allele origin: germline.

Blueprint Genetics
Classification: Likely benign. Last evaluated: 2024-09-18. Review status: criteria provided, single submitter. Criteria: ACMG Guidelines, 2015. Collection method: clinical testing. Allele origin: germline.

GeneDx
Classification: Likely benign. Last evaluated: 2022-06-15. Review status: criteria provided, single submitter. Criteria: GeneDx Variant Classification Process June 2021. Collection method: clinical testing. Allele origin: germline. Affected: yes.
Comment: See Variant Classification Assertion Criteria.

Ambry Genetics
Classification: Likely benign for Inborn genetic diseases. Last evaluated: 2018-01-22. Review status: criteria provided, single submitter. Criteria: Ambry Variant Classification Scheme 2023. Collection method: clinical testing. Allele origin: germline.